The following is an entry in ClinVar:

NM_001127511.3(APC):c.40C>T (p.Pro14Ser)

Gene: APC (APC regulator of Wnt signaling pathway; plus strand). Cytogenetic location: 5q22.2.
Variant type: single nucleotide variant.
Coding change: c.40C>T on transcript NM_001127511.3; coding-DNA position 40, C replaced by T.
Protein change: p.Pro14Ser; replaces proline 14 with serine.
Molecular consequence: missense variant. On other transcripts: 5 prime UTR variant (8), non-coding transcript variant (1), intron variant (5).
Genome position (GRCh38, 1-based): chr5:112,707,757, C>T. VCF-style: chr5-112707757-C-T. GRCh37 (hg19) VCF-style: chr5-112043454-C-T.
Other names: c.-144C>T (NM_001354895.2, NM_001407447.1, NM_001407452.1 and 3 more transcripts); c.40C>T, p.Pro14Ser (NM_001354897.2, NM_001354902.2, NM_001407446.1); c.-1179C>T (NM_001407470.1, NM_001407472.1); c.-19+108C>T (NM_001407448.1, NM_001407450.1, NM_001407457.1 and 1 more transcripts); c.-43+108C>T (NM_001407453.1); short protein forms P14S.
Identifiers: ClinVar variation 1041283 (VCV001041283.9), dbSNP rs1750605530, ClinGen allele CA360611725.
Genomic context (GRCh38, chr5:112,707,757, plus strand): 5'-TCTCGGGCCTCGGCGCCCCCTATGTACGCCTCCCTGGGCTCGGGTCCGGTCGCCCCTTTG[C>T]CCGCTTCTGTACCACCCTCAGTTCTCGGGTCCTGGAGCACCGGCGGCAGCAGGAGCTGCG-3'

ClinVar aggregate classification (germline): Uncertain significance (1 of 4 stars; one submission).

Conditions:
Familial adenomatous polyposis 1 (FAP1). Also called: FAMILIAL ADENOMATOUS POLYPOSIS 1, ATTENUATED; POLYPOSIS, ADENOMATOUS INTESTINAL. Identifiers: MedGen C2713442, MONDO:0021056, OMIM 175100. Disease mechanism: loss of function.

Allele frequency attached by ClinVar (database versions not stated): gnomAD exomes below 0.00001.
gnomAD v4.1: 2 of 1,370,652 alleles (0.00015%); highest among the groups gnomAD compares: South Asian, 0.0012%; no homozygotes.

Submission:

Labcorp Genetics (formerly Invitae), Labcorp
Classification: Uncertain significance for Familial adenomatous polyposis 1. Last evaluated: 2025-03-19. Review status: criteria provided, single submitter. Criteria: Invitae Variant Classification Sherloc (09022015). Collection method: clinical testing. Allele origin: germline.
Comment: This variant occurs in a non-coding region of the APC gene. It does not change the encoded amino acid sequence of the APC protein. This variant is not present in population databases (gnomAD no frequency). This variant has not been reported in the literature in individuals affected with APC-related conditions. Experimental studies and prediction algorithms are not available or were not evaluated, and the functional significance of this variant is currently unknown. In summary, the available evidence is currently insufficient to determine the role of this variant in disease. Therefore, it has been classified as a Variant of Uncertain Significance.